The following is an entry in ClinVar:

NM_001242896.3(DEPDC5):c.147-1G>C

Gene: DEPDC5 (DEP domain containing 5, GATOR1 subcomplex subunit; plus strand). Cytogenetic location: 22q12.2.
Variant type: single nucleotide variant.
Coding change: c.147-1G>C on transcript NM_001242896.3 (MANE Select); the canonical splice acceptor site of the intron before coding-DNA position 147, G replaced by C.
Molecular consequence: splice acceptor variant.
Genome position (GRCh38, 1-based): chr22:31,760,655, G>C. VCF-style: chr22-31760655-G-C. GRCh37 (hg19) VCF-style: chr22-32156641-G-C.
Other names: c.147-1G>C (NM_001364318.2, NM_001136029.4, NM_014662.6 and 9 more transcripts).
Identifiers: ClinVar variation 2104363 (VCV002104363.4), dbSNP rs2517796451, ClinGen allele CA411279544.

ClinVar aggregate classification (germline): Likely pathogenic (1 of 4 stars; one submission).

Conditions:
Familial focal epilepsy with variable foci (FPEVF). Identifiers: Orphanet 98820, MedGen C1858477, MONDO:0020310.

Submission:

Labcorp Genetics (formerly Invitae), Labcorp
Classification: Likely pathogenic for Familial focal epilepsy with variable foci. Last evaluated: 2023-07-22. Review status: criteria provided, single submitter. Criteria: Invitae Variant Classification Sherloc (09022015). Collection method: clinical testing. Allele origin: germline.
Comment: In summary, the currently available evidence indicates that the variant is pathogenic, but additional data are needed to prove that conclusively. Therefore, this variant has been classified as Likely Pathogenic. This sequence change affects an acceptor splice site in intron 3 of the DEPDC5 gene. It is expected to disrupt RNA splicing. Variants that disrupt the donor or acceptor splice site typically lead to a loss of protein function (PMID: 16199547), and loss-of-function variants in DEPDC5 are known to be pathogenic (PMID: 23542697, 23542701). This variant is not present in population databases (gnomAD no frequency). Disruption of this splice site has been observed in individual(s) with DEPDC5-related conditions (Invitae). ClinVar contains an entry for this variant (Variation ID: 2104363). Algorithms developed to predict the effect of sequence changes on RNA splicing suggest that this variant may disrupt the consensus splice site.

Literature cited by the submitters: PubMed 16199547; PubMed 23542697; PubMed 23542701.